The following is an entry in ClinVar:

NM_001330691.3(CEP78):c.415A>C (p.Ile139Leu)

Gene: CEP78 (centrosomal protein 78; plus strand). Cytogenetic location: 9q21.2.
Variant type: single nucleotide variant.
Coding change: c.415A>C on transcript NM_001330691.3 (MANE Select); coding-DNA position 415, A replaced by C.
Protein change: p.Ile139Leu; replaces isoleucine 139 with leucine.
Molecular consequence: missense variant.
Genome position (GRCh38, 1-based): chr9:78,240,184, A>C. VCF-style: chr9-78240184-A-C. GRCh37 (hg19) VCF-style: chr9-80855100-A-C.
Other names: c.415A>C, p.Ile139Leu (NM_001098802.3, NM_001330693.3, NM_001330694.2 and 4 more transcripts); short protein forms I139L.
Identifiers: ClinVar variation 1491185 (VCV001491185.5), dbSNP rs895593378, ClinGen allele CA194769444.

ClinVar aggregate classification (germline): Uncertain significance (1 of 4 stars; one submission).

gnomAD v4.1: 7 of 1,605,578 alleles (0.00044%); highest among the groups gnomAD compares: Admixed American, 0.0069%; no homozygotes.

Submission:

Labcorp Genetics (formerly Invitae), Labcorp
Classification: Uncertain significance. Last evaluated: 2022-06-13. Review status: criteria provided, single submitter. Criteria: Invitae Variant Classification Sherloc (09022015). Collection method: clinical testing. Allele origin: germline.
Comment: This sequence change replaces isoleucine, which is neutral and non-polar, with leucine, which is neutral and non-polar, at codon 139 of the CEP78 protein (p.Ile139Leu). This variant is present in population databases (no rsID available, gnomAD 0.006%). This variant has not been reported in the literature in individuals affected with CEP78-related conditions. Algorithms developed to predict the effect of missense changes on protein structure and function output the following: SIFT: "Tolerated"; PolyPhen-2: "Benign"; Align-GVGD: "Class C0". The leucine amino acid residue is found in multiple mammalian species, which suggests that this missense change does not adversely affect protein function. In summary, the available evidence is currently insufficient to determine the role of this variant in disease. Therefore, it has been classified as a Variant of Uncertain Significance.